The following is an entry in ClinVar:

ClinVar aggregate classification (germline): Uncertain significance (1 of 4 stars; one submission).

Submission:

Labcorp Genetics (formerly Invitae), Labcorp
Classification: Uncertain significance. Last evaluated: 2024-10-29. Review status: criteria provided, single submitter. Criteria: Invitae Variant Classification Sherloc (09022015). Collection method: clinical testing. Allele origin: germline.
Comment: This variant, c.182_183insGGG, results in the insertion of 1 amino acid(s) of the KCNV2 protein (p.Gly61dup), but otherwise preserves the integrity of the reading frame. This variant is not present in population databases (gnomAD no frequency). This variant has not been reported in the literature in individuals affected with KCNV2-related conditions. ClinVar contains an entry for this variant (Variation ID: 2131979). In summary, the available evidence is currently insufficient to determine the role of this variant in disease. Therefore, it has been classified as a Variant of Uncertain Significance.

NM_133497.4(KCNV2):c.182_183insGGG (p.Gly61_Glu62insGly)

Gene: KCNV2 (potassium voltage-gated channel modifier subfamily V member 2; plus strand). Cytogenetic location: 9p24.2.
Variant type: Insertion.
Coding change: c.182_183insGGG on transcript NM_133497.4 (MANE Select); coding-DNA positions 182 to 183, GGG inserted.
Protein change: p.Gly61_Glu62insGly.
Molecular consequence: inframe insertion.
Genome position: GRCh38 VCF-style: chr9-2717919-C-CGGG. GRCh37 (hg19) VCF-style: chr9-2717919-C-CGGG.
Identifiers: ClinVar variation 2131979 (VCV002131979.4), dbSNP rs2536970998, ClinGen allele CA2579290237.